The following is an entry in ClinVar:

ClinVar aggregate classification (germline): Uncertain significance (1 of 4 stars; one submission).

gnomAD v4.1: 1 of 1,610,576 alleles (0.000062%); highest among the groups gnomAD compares: Non-Finnish European, 0.000085%; no homozygotes.

Submission:

GeneDx
Classification: Uncertain significance. Last evaluated: 2024-11-06. Review status: criteria provided, single submitter. Criteria: GeneDx Variant Classification Process June 2021. Collection method: clinical testing. Allele origin: germline. Affected: yes.
Comment: Not observed at significant frequency in large population cohorts (gnomAD); In silico analysis supports that this missense variant has a deleterious effect on protein structure/function; Has not been previously published as pathogenic or benign to our knowledge

NM_032380.5(GFM2):c.346G>C (p.Glu116Gln)

Gene: GFM2 (GTP dependent ribosome recycling factor mitochondrial 2; minus strand). Cytogenetic location: 5q13.3.
Variant type: single nucleotide variant.
Coding change: c.346G>C on transcript NM_032380.5 (MANE Select); coding-DNA position 346, G replaced by C.
Protein change: p.Glu116Gln; replaces glutamic acid 116 with glutamine.
Molecular consequence: missense variant. On other transcripts: non-coding transcript variant (1).
Genome position (GRCh38, 1-based): chr5:74,751,452, C>G on the plus strand (G>C on the coding strand, the complement: GFM2 is on the minus strand). VCF-style: chr5-74751452-C-G. GRCh37 (hg19) VCF-style: chr5-74047277-C-G.
Other names: c.442G>C, p.Glu148Gln (NM_001281302.2); c.346G>C, p.Glu116Gln (NM_170681.3, NM_170691.3); short protein forms E116Q, E148Q.
Identifiers: ClinVar variation 3899048 (VCV003899048.1).
Genomic context (GRCh38, chr5:74,751,452, plus strand): 5'-TATAACCTTTCCAATCAAATGTAACAGCAGCTGATTGAATAGTAATGCCTCTTTCTCGCT[C>G]TTGGGCCATGAAATCTGTCACTGTGTCTCCATCATCAACATCTAGCCAGGAAAAAGATGA-3'
Protein context (NP_115756.2, residues 106-126): GDTVTDFMAQ[Glu116Gln]RERGITIQSA